The following is an entry in ClinVar:

NM_032581.4(HYCC1):c.1192G>A (p.Gly398Arg)

Gene: HYCC1 (hyccin PI4KA lipid kinase complex subunit 1; minus strand). Cytogenetic location: 7p15.3.
Variant type: single nucleotide variant.
Coding change: c.1192G>A on transcript NM_032581.4 (MANE Select); coding-DNA position 1192, G replaced by A.
Protein change: p.Gly398Arg; replaces glycine 398 with arginine.
Molecular consequence: missense variant. On other transcripts: 3 prime UTR variant (2).
Genome position (GRCh38, 1-based): chr7:22,945,963, C>T on the plus strand (G>A on the coding strand, the complement: HYCC1 is on the minus strand). VCF-style: chr7-22945963-C-T. GRCh37 (hg19) VCF-style: chr7-22985582-C-T.
Other names: c.*228G>A (NM_001363466.2); c.*186G>A (NM_001363467.2); short protein forms G398R.
Identifiers: ClinVar variation 2149245 (VCV002149245.4), dbSNP rs2534334380, ClinGen allele CA366970251.

ClinVar aggregate classification (germline): Uncertain significance (1 of 4 stars; one submission).

Conditions:
Hypomyelination and Congenital Cataract (HLD5). Also called: hypomyelinating leukodystrophy 5. Identifiers: Orphanet 85163, MedGen C1864663, MONDO:0012514, OMIM 610532.

Submission:

Labcorp Genetics (formerly Invitae), Labcorp
Classification: Uncertain significance for Hypomyelination and Congenital Cataract. Last evaluated: 2022-07-30. Review status: criteria provided, single submitter. Criteria: Invitae Variant Classification Sherloc (09022015). Collection method: clinical testing. Allele origin: germline.
Comment: This sequence change replaces glycine, which is neutral and non-polar, with arginine, which is basic and polar, at codon 398 of the FAM126A protein (p.Gly398Arg). This variant is not present in population databases (gnomAD no frequency). This variant has not been reported in the literature in individuals affected with FAM126A-related conditions. Algorithms developed to predict the effect of missense changes on protein structure and function are either unavailable or do not agree on the potential impact of this missense change (SIFT: "Deleterious"; PolyPhen-2: "Probably Damaging"; Align-GVGD: "Class C0"). In summary, the available evidence is currently insufficient to determine the role of this variant in disease. Therefore, it has been classified as a Variant of Uncertain Significance.